The following is an entry in ClinVar:

ClinVar aggregate classification (germline): Pathogenic (1 of 4 stars; one submission).

Submission:

GeneDx
Classification: Pathogenic. Last evaluated: 2019-06-12. Review status: criteria provided, single submitter. Criteria: GeneDx Variant Classification Process June 2021. Collection method: clinical testing. Allele origin: germline. Affected: yes.
Comment: Nonsense variant predicted to result in protein truncation or nonsense mediated decay in a gene for which loss-of-function is a known mechanism of disease; Not observed in large population cohorts (Lek et al., 2016); Has not been previously published as pathogenic or benign to our knowledge

NM_144508.5(KNL1):c.1810C>T (p.Gln604Ter)

Gene: KNL1 (kinetochore scaffold 1; plus strand). Cytogenetic location: 15q15.1.
Variant type: single nucleotide variant.
Coding change: c.1810C>T on transcript NM_144508.5 (MANE Select); coding-DNA position 1810, C replaced by T.
Protein change: p.Gln604Ter; replaces glutamine 604 with a stop codon.
Molecular consequence: nonsense.
Genome position (GRCh38, 1-based): chr15:40,622,074, C>T. VCF-style: chr15-40622074-C-T. GRCh37 (hg19) VCF-style: chr15-40914272-C-T.
Other names: c.1888C>T, p.Gln630Ter (NM_170589.5); short protein forms Q604*, Q630*.
Identifiers: ClinVar variation 1220018 (VCV001220018.3), dbSNP rs2141720777, ClinGen allele CA391734122.